The following is an entry in ClinVar:

ClinVar aggregate classification (germline): Likely pathogenic (1 of 4 stars; one submission).

Conditions:
Mucolipidosis type II. Also called: ML II ALPHA/BETA; Mucolipidosis 2; ML 2; Inclusion cell disease; Leroy Disease; N-acetylglucosamine 1phosphotransferase deficiency. Identifiers: Orphanet 576, MedGen C2673377, MONDO:0009650, OMIM 252500.

Submission:

Natera, Inc.
Classification: Likely pathogenic for Mucolipidosis type II. Last evaluated: 2024-07-29. Review status: criteria provided, single submitter. Criteria: Natera Variant Classification Schema (03/2026). Collection method: clinical testing. Allele origin: germline.
Comment: The c.2935A>T variant in GNPTAB is a nonsense variant predicted to introduce a stop codon at amino acid 979. This variant is expected to result in nonsense mediated decay, truncation, or a dysfunctional protein product. This variant is rare in the general population with a frequency below the threshold expected for the associated phenotype(s). Given the available evidence, this variant is classified as Likely Pathogenic.

NM_024312.5(GNPTAB):c.2935A>T (p.Lys979Ter)

Gene: GNPTAB (N-acetylglucosamine-1-phosphate transferase subunits alpha and beta; minus strand). Cytogenetic location: 12q23.2.
Variant type: single nucleotide variant.
Coding change: c.2935A>T on transcript NM_024312.5 (MANE Select); coding-DNA position 2935, A replaced by T.
Protein change: p.Lys979Ter; replaces lysine 979 with a stop codon.
Molecular consequence: nonsense.
Genome position (GRCh38, 1-based): chr12:101,761,327, T>A on the plus strand (A>T on the coding strand, the complement: GNPTAB is on the minus strand). VCF-style: chr12-101761327-T-A. GRCh37 (hg19) VCF-style: chr12-102155105-T-A.
Other names: short protein forms K979*.
Identifiers: ClinVar variation 4816148 (VCV004816148.1).